The following is an entry in ClinVar:

NM_206933.4(USH2A):c.7476G>A (p.Ser2492=)

Gene: USH2A (usherin; minus strand). Cytogenetic location: 1q41.
Variant type: single nucleotide variant.
Coding change: c.7476G>A on transcript NM_206933.4 (MANE Select); coding-DNA position 7476, G replaced by A.
Protein change: p.Ser2492=; no amino-acid change (serine 2492 retained).
Molecular consequence: synonymous variant.
Genome position (GRCh38, 1-based): chr1:215,900,193, C>T on the plus strand (G>A on the coding strand, the complement: USH2A is on the minus strand). VCF-style: chr1-215900193-C-T. GRCh37 (hg19) VCF-style: chr1-216073535-C-T.
Identifiers: ClinVar variation 751302 (VCV000751302.39), dbSNP rs777803742, ClinGen allele CA1394828.

ClinVar aggregate classification (germline): Likely benign. Review status: criteria provided, multiple submitters, no conflicts (2 of 4 stars). 8 submissions from 7 submitters: Likely benign (7). 1 of the submissions does not count toward it. Last evaluated 2026-01-28.

Conditions:
Usher syndrome type 2A. Also called: RETINAL DISEASE IN USHER SYNDROME TYPE IIA, MODIFIER OF; USHER SYNDROME, TYPE IIA. Identifiers: Orphanet 231178, Orphanet 886, MedGen C1848634, MONDO:0010169, OMIM 276901.
Retinitis pigmentosa 39 (RP39). Identifiers: Orphanet 791, MedGen C3151138, MONDO:0013436, OMIM 613809.

Allele frequency attached by ClinVar (database versions not stated): ExAC 0.00003; gnomAD exomes 0.00003 and 0.00013; gnomAD 0.00007; TOPMed 0.00012.
gnomAD v4.1: 203 of 1,613,344 alleles (0.013%); highest among the groups gnomAD compares: Non-Finnish European, 0.016%; no homozygotes.

Submissions (8):

Labcorp Genetics (formerly Invitae), Labcorp
Classification: Likely benign. Last evaluated: 2026-01-28. Review status: criteria provided, single submitter. Criteria: Invitae Variant Classification Sherloc (09022015). Collection method: clinical testing. Allele origin: germline.

Women's Health and Genetics/Laboratory Corporation of America, LabCorp
Classification: Likely benign. Last evaluated: 2025-10-06. Review status: criteria provided, single submitter. Criteria: LabCorp Variant Classification Summary - May 2015. Collection method: clinical testing. Allele origin: germline.

Blueprint Genetics
Classification: Likely benign. Last evaluated: 2023-12-15. Review status: criteria provided, single submitter. Criteria: ACMG Guidelines, 2015. Collection method: clinical testing. Allele origin: germline.

Genome-Nilou Lab
Classification: Likely benign for Retinitis pigmentosa 39. Last evaluated: 2023-11-04. Review status: criteria provided, single submitter. Criteria: ACMG Guidelines, 2015. Collection method: clinical testing. Allele origin: germline. Affected: no.

Genome-Nilou Lab
Classification: Likely benign for Usher syndrome type 2A. Last evaluated: 2023-11-04. Review status: criteria provided, single submitter. Criteria: ACMG Guidelines, 2015. Collection method: clinical testing. Allele origin: germline. Affected: no.

CeGaT Center for Human Genetics Tuebingen
Classification: Likely benign. Last evaluated: 2022-10-01. Review status: criteria provided, single submitter. Criteria: CeGaT Center For Human Genetics Tuebingen Variant Classification Criteria Version 2. Collection method: clinical testing. Allele origin: germline. Affected: yes. Observed: 1 variant allele.
Comment: USH2A: BP4, BP7

GeneDx
Classification: Likely benign. Last evaluated: 2018-10-29. Review status: criteria provided, single submitter. Criteria: GeneDx Variant Classification Process June 2021. Collection method: clinical testing. Allele origin: germline. Affected: yes.

Natera, Inc.
Classification: Likely benign for Usher syndrome type 2A. Last evaluated: 2020-05-01. Review status: no assertion criteria provided. Collection method: clinical testing. Allele origin: germline. Not counted in ClinVar's aggregate classification.